The following is an entry in ClinVar:

NM_006073.4(TRDN):c.1321+1del

Gene: TRDN (triadin; minus strand). Cytogenetic location: 6q22.31.
Variant type: Deletion.
Coding change: c.1321+1del on transcript NM_006073.4 (MANE Select); the canonical splice donor site of the intron after coding-DNA position 1321, one base deleted (G; older notation c.1321+1delG).
Molecular consequence: splice donor variant.
Genome position (GRCh38, 1-based): chr6:123,366,134, C deleted on the plus strand (G on the coding strand, the reverse complement: TRDN is on the minus strand); the first of 2 consecutive C bases (chr6:123,366,134-123,366,135); deleting either gives the same sequence. VCF-style (leftmost placement, unchanged base first): chr6-123366133-AC-A. GRCh37 (hg19) VCF-style: chr6-123687278-AC-A.
Other names: c.1264+1del (NM_001407315.1); c.1324+1del (NM_001251987.2).
Identifiers: ClinVar variation 957990 (VCV000957990.6), dbSNP rs754982716, ClinGen allele CA3984006.

ClinVar aggregate classification (germline): Uncertain significance (1 of 4 stars; one submission).

Conditions:
Catecholaminergic polymorphic ventricular tachycardia 1. Also called: VENTRICULAR TACHYCARDIA, CATECHOLAMINERGIC POLYMORPHIC, 1, WITH OR WITHOUT ATRIAL DYSFUNCTION AND/OR DILATED CARDIOMYOPATHY; VENTRICULAR TACHYCARDIA, STRESS-INDUCED POLYMORPHIC 1; RYR2-Related Catecholaminergic Polymorphic Ventricular Tachycardia. Identifiers: Orphanet 3286, MedGen C1631597, MONDO:0011484, OMIM 604772.

Submission:

Labcorp Genetics (formerly Invitae), Labcorp
Classification: Uncertain significance for Catecholaminergic polymorphic ventricular tachycardia 1. Last evaluated: 2022-10-18. Review status: criteria provided, single submitter. Criteria: Invitae Variant Classification Sherloc (09022015). Collection method: clinical testing. Allele origin: germline.
Comment: This sequence change affects a splice site in intron 20 of the TRDN gene. However, it is currently unclear if variants that occur in this region of the gene cause disease. This variant is present in population databases (rs754982716, gnomAD 0.002%). This variant has not been reported in the literature in individuals affected with TRDN-related conditions. ClinVar contains an entry for this variant (Variation ID: 957990). Algorithms developed to predict the effect of sequence changes on RNA splicing suggest that this variant may disrupt the consensus splice site. In summary, the available evidence is currently insufficient to determine the role of this variant in disease. Therefore, it has been classified as a Variant of Uncertain Significance.